The following is an entry in ClinVar:

ClinVar aggregate classification (germline): Pathogenic (1 of 4 stars; one submission).

Conditions:
DOCK2 deficiency. Also called: Immunodeficiency 40. Identifiers: Orphanet 447737, MedGen C4225328, MONDO:0014637, OMIM 616433.

Submission:

Labcorp Genetics (formerly Invitae), Labcorp
Classification: Pathogenic for DOCK2 deficiency. Last evaluated: 2022-03-19. Review status: criteria provided, single submitter. Criteria: Invitae Variant Classification Sherloc (09022015). Collection method: clinical testing. Allele origin: germline.
Comment: This variant has not been reported in the literature in individuals affected with DOCK2-related conditions. This variant is present in population databases (rs142830212, gnomAD 0.0009%). This sequence change creates a premature translational stop signal (p.Arg1620*) in the DOCK2 gene. It is expected to result in an absent or disrupted protein product. Loss-of-function variants in DOCK2 are known to be pathogenic (PMID: 26083206). ClinVar contains an entry for this variant (Variation ID: 1071464). For these reasons, this variant has been classified as Pathogenic.

Literature cited by the submitters: PubMed 26083206.

NM_004946.3(DOCK2):c.4858C>T (p.Arg1620Ter)

Gene: DOCK2 (dedicator of cytokinesis 2; plus strand). Cytogenetic location: 5q35.1.
Variant type: single nucleotide variant.
Coding change: c.4858C>T on transcript NM_004946.3 (MANE Select); coding-DNA position 4858, C replaced by T.
Protein change: p.Arg1620Ter; replaces arginine 1620 with a stop codon.
Molecular consequence: nonsense. On other transcripts: non-coding transcript variant (1).
Genome position (GRCh38, 1-based): chr5:170,076,076, C>T. VCF-style: chr5-170076076-C-T. GRCh37 (hg19) VCF-style: chr5-169503080-C-T.
Other names: short protein forms R1620*.
Identifiers: ClinVar variation 1071464 (VCV001071464.7), dbSNP rs142830212, ClinGen allele CA3554666.